The following is an entry in ClinVar:

ClinVar aggregate classification (germline): Likely benign. Review status: criteria provided, multiple submitters, no conflicts (2 of 4 stars). 6 submissions from 6 submitters: Likely benign (6). Last evaluated 2026-01-31.

Conditions:
Hereditary cancer-predisposing syndrome. Also called: Hereditary neoplastic syndrome; Hereditary Cancer Syndrome; Neoplastic Syndromes, Hereditary; Tumor predisposition. Identifiers: Orphanet 140162, MedGen C0027672, MeSH D009386, MONDO:0015356.
Familial adenomatous polyposis 2. Also called: MYH-associated polyposis; COLORECTAL ADENOMATOUS POLYPOSIS, AUTOSOMAL RECESSIVE; ADENOMAS, MULTIPLE COLORECTAL, AUTOSOMAL RECESSIVE; MUTYH-related attenuated familial adenomatous polyposis; Adenomas, multiple colorectal; FAP type 2. Identifiers: Orphanet 220460, Orphanet 247798, MedGen C3272841, MONDO:0012041, OMIM 608456.

Allele frequency attached by ClinVar (database versions not stated): gnomAD exomes below 0.00001.
gnomAD v4.1: 2 of 1,614,114 alleles (0.00012%); highest among the groups gnomAD compares: Non-Finnish European, 0.00017%; no homozygotes.

Submissions (6):

Labcorp Genetics (formerly Invitae), Labcorp
Classification: Likely benign for Familial adenomatous polyposis 2. Last evaluated: 2026-01-31. Review status: criteria provided, single submitter. Criteria: Invitae Variant Classification Sherloc (09022015). Collection method: clinical testing. Allele origin: germline.

All of Us Research Program, National Institutes of Health
Classification: Likely benign for Familial adenomatous polyposis 2. Last evaluated: 2023-10-06. Review status: criteria provided, single submitter. Criteria: ACMG Guidelines, 2015. Collection method: clinical testing. Allele origin: germline. Inheritance: Autosomal recessive inheritance. Observed: 1 variant allele, 1 heterozygote.
Comment: This study involves interpretation of variants in research participants for the purpose of population health screening. Participant phenotype was not available at the time of variant classification. Additional details can be found in publication PMID: 35346344, PMCID: PMC8962531

KCCC/NGS Laboratory, Kuwait Cancer Control Center
Classification: Likely benign for Familial adenomatous polyposis 2. Last evaluated: 2023-07-07. Review status: criteria provided, single submitter. Criteria: ACMG Guidelines, 2015. Collection method: clinical testing. Allele origin: germline. Affected: yes.

Sema4
Classification: Likely benign for Hereditary cancer-predisposing syndrome. Last evaluated: 2021-02-05. Review status: criteria provided, single submitter. Criteria: Sema4 Curation Guidelines. Collection method: curation. Allele origin: germline.

Color Diagnostics, LLC DBA Color Health
Classification: Likely benign for Hereditary cancer-predisposing syndrome. Last evaluated: 2018-06-19. Review status: criteria provided, single submitter. Criteria: ACMG Guidelines, 2015. Collection method: clinical testing. Allele origin: germline.

Ambry Genetics
Classification: Likely benign for Hereditary cancer-predisposing syndrome. Last evaluated: 2016-09-01. Review status: criteria provided, single submitter. Criteria: Ambry Variant Classification Scheme 2023. Collection method: clinical testing. Allele origin: germline.

NM_001048174.2(MUTYH):c.774G>T (p.Gly258=)

Gene: MUTYH (mutY DNA glycosylase; minus strand). Cytogenetic location: 1p34.1.
Variant type: single nucleotide variant.
Coding change: c.774G>T on transcript NM_001048174.2 (MANE Select); coding-DNA position 774, G replaced by T.
Protein change: p.Gly258=; no amino-acid change (glycine 258 retained).
Molecular consequence: synonymous variant. On other transcripts: non-coding transcript variant (2).
Genome position (GRCh38, 1-based): chr1:45,332,241, C>A on the plus strand (G>T on the coding strand, the complement: MUTYH is on the minus strand). VCF-style: chr1-45332241-C-A. GRCh37 (hg19) VCF-style: chr1-45797913-C-A.
Other names: c.774G>T, p.Gly258= (NM_001048171.2, NM_001048173.2, NM_001293195.2); c.777G>T, p.Gly259= (NM_001048172.2); c.858G>T, p.Gly286= (NM_001128425.2); c.819G>T, p.Gly273= (NM_001293190.2); c.807G>T, p.Gly269= (NM_001293191.2); c.498G>T, p.Gly166= (NM_001293192.2, NM_001293196.2); c.429G>T, p.Gly143= (NM_001350650.2, NM_001350651.2); c.849G>T, p.Gly283= (NM_012222.3).
Identifiers: ClinVar variation 485899 (VCV000485899.20), dbSNP rs771290019, ClinGen allele CA417880165.